The following is an entry in ClinVar:

NM_001042492.3(NF1):c.3656G>A (p.Gly1219Glu)

Gene: NF1 (neurofibromin 1; plus strand). Cytogenetic location: 17q11.2.
Variant type: single nucleotide variant.
Coding change: c.3656G>A on transcript NM_001042492.3 (MANE Select); coding-DNA position 3656, G replaced by A.
Protein change: p.Gly1219Glu; replaces glycine 1219 with glutamic acid.
Molecular consequence: missense variant.
Genome position (GRCh38, 1-based): chr17:31,233,161, G>A. VCF-style: chr17-31233161-G-A. GRCh37 (hg19) VCF-style: chr17-29560179-G-A.
Other names: c.3656G>A, p.Gly1219Glu (NM_000267.4); short protein forms G1219E.
Identifiers: ClinVar variation 850167 (VCV000850167.8), dbSNP rs878853885, ClinGen allele CA398990493.

ClinVar aggregate classification (germline): Conflicting classifications of pathogenicity. Review status: criteria provided, conflicting classifications (1 of 4 stars). 5 submissions from 5 submitters: Pathogenic (2); Likely pathogenic (1); Uncertain significance (2). Last evaluated 2025-09-29.

Conditions:
Neurofibromatosis-Noonan syndrome (NFNS). Also called: NEUROFIBROMATOSIS WITH NOONAN PHENOTYPE. Identifiers: Orphanet 638, MedGen C2931482, MONDO:0011035, OMIM 601321. Disease mechanism: loss of function.
Café-au-lait macules with pulmonary stenosis (WTSN). Also called: PULMONIC STENOSIS WITH CAFE-AU-LAIT SPOTS. Identifiers: MedGen C0553586, MONDO:0008672, OMIM 193520.
Neurofibromatosis, type 1 (NF1). Also called: Neurofibromatosis, type I; VON RECKLINGHAUSEN DISEASE; Peripheral type neurofibromatosis; NEUROFIBROMATOSIS, TYPE I, SOMATIC. Identifiers: Orphanet 636, MedGen C0027831, MONDO:0018975, OMIM 162200. Disease mechanism: loss of function.
Neurofibromatosis, familial spinal (FSNF). Identifiers: Orphanet 636, MedGen C1834235, MONDO:0008078, OMIM 162210. Disease mechanism: loss of function.
Juvenile myelomonocytic leukemia (JMML). Also called: LEUKEMIA, JUVENILE MYELOMONOCYTIC, SOMATIC. Identifiers: Orphanet 86834, MedGen C0349639, MONDO:0011908, OMIM 607785, HP:0012209.

Submissions (5):

Department of Human Genetics, Hannover Medical School
Classification: Pathogenic for Neurofibromatosis, type 1. Last evaluated: 2025-09-29. Review status: criteria provided, single submitter. Criteria: ACMG Guidelines, 2015. Collection method: clinical testing. Allele origin: germline. Inheritance: Autosomal dominant inheritance. Affected: yes.
Comment: PM2_Supporting, PP2, PP3_Moderate, PP4_Strong, PM1_Supporting, PM5_Supporting

Institute for Genomic Medicine (IGM) Clinical Laboratory, Nationwide Children's Hospital
Classification: Uncertain significance for Neurofibromatosis, type 1. Last evaluated: 2025-06-27. Review status: criteria provided, single submitter. Criteria: ACMG Guidelines, 2015. Collection method: clinical testing. Allele origin: germline.
Comment: This variant has been reported at an elevated frequency in affected individuals/in multiple affected individuals in the literature (ACMG/AMP: PS4_Supporting; PMID:23913538). This variant is absent from or present at an exceedingly low frequency in gnomAD, a large-scale control population database (ACMG/AMP: PM2). This variant occurs in a gene with a low rate of benign missense variation, in which missense alterations are a common mechanism of disease (ACMG/AMP: PP2). This variant is predicted to alter protein function or structure, or disrupt splicing by multiple in silico tools (ACMG/AMP: PP3).

Quest Diagnostics Nichols Institute San Juan Capistrano
Classification: Uncertain significance. Last evaluated: 2025-03-07. Review status: criteria provided, single submitter. Criteria: Quest Diagnostics criteria. Collection method: clinical testing. Allele origin: unknown.

Labcorp Genetics (formerly Invitae), Labcorp
Classification: Pathogenic for Neurofibromatosis, type 1. Last evaluated: 2024-11-20. Review status: criteria provided, single submitter. Criteria: Invitae Variant Classification Sherloc (09022015). Collection method: clinical testing. Allele origin: germline.
Comment: This sequence change replaces glycine, which is neutral and non-polar, with glutamic acid, which is acidic and polar, at codon 1219 of the NF1 protein (p.Gly1219Glu). This variant is not present in population databases (gnomAD no frequency). This missense change has been observed in individual(s) with clinical features of neurofibromatosis type 1 (PMID: 23913538; internal data). ClinVar contains an entry for this variant (Variation ID: 850167). Invitae Evidence Modeling of protein sequence and biophysical properties (such as structural, functional, and spatial information, amino acid conservation, physicochemical variation, residue mobility, and thermodynamic stability) indicates that this missense variant is expected to disrupt NF1 protein function with a positive predictive value of 95%. This variant disrupts the p.Gly1219 amino acid residue in NF1. Other variant(s) that disrupt this residue have been determined to be pathogenic (PMID: 31573083; internal data). This suggests that this residue is clinically significant, and that variants that disrupt this residue are likely to be disease-causing. For these reasons, this variant has been classified as Pathogenic.

Juno Genomics, Hangzhou Juno Genomics, Inc
Classification: Likely pathogenic for Neurofibromatosis, type 1; Juvenile myelomonocytic leukemia; Neurofibromatosis, familial spinal; Neurofibromatosis-Noonan syndrome; Café-au-lait macules with pulmonary stenosis. Review status: criteria provided, single submitter. Criteria: ACMG Guidelines, 2015. Collection method: clinical testing. Allele origin: germline. Affected: yes.
Comment: Absent from controls (or at extremely low frequency if recessive) in Genome Aggregation Database, Exome Sequencing Project, 1000 Genomes Project, or Exome Aggregation Consortium.;Multiple lines of computational evidence support a deleterious effect on the gene or gene product (conservation, evolutionary, splicing impact, etc).;The prevalence of the variant in affected individuals is significantly increased compared to the prevalence in controls.;Patient's phenotype or family history is highly specific for a disease with a single genetic etiology.;Missense variant in a gene that has a low rate of benign missense variation and where missense variants are a common mechanism of disease.

Literature cited by the submitters: PubMed 23913538 (cited by Institute for Genomic Medicine (IGM) Clinical Laboratory, Nationwide Children's Hospital and Labcorp Genetics (formerly Invitae), Labcorp); PubMed 31573083 (cited by Labcorp Genetics (formerly Invitae), Labcorp).